The following is an entry in ClinVar:

NM_144997.7(FLCN):c.265G>A (p.Ala89Thr)

Gene: FLCN (folliculin; minus strand). Cytogenetic location: 17p11.2.
Variant type: single nucleotide variant.
Coding change: c.265G>A on transcript NM_144997.7 (MANE Select); coding-DNA position 265, G replaced by A.
Protein change: p.Ala89Thr; replaces alanine 89 with threonine.
Molecular consequence: missense variant.
Genome position (GRCh38, 1-based): chr17:17,226,307, C>T on the plus strand (G>A on the coding strand, the complement: FLCN is on the minus strand). VCF-style: chr17-17226307-C-T. GRCh37 (hg19) VCF-style: chr17-17129621-C-T.
Other names: c.265G>A, p.Ala89Thr (NM_001353229.2, NM_001353230.2, NM_001353231.2 and 1 more transcripts); short protein forms A89T.
Identifiers: ClinVar variation 4691842 (VCV004691842.2).

ClinVar aggregate classification (germline): Uncertain significance. Review status: criteria provided, multiple submitters, no conflicts (2 of 4 stars). 2 submissions from 2 submitters: Uncertain significance (2). Last evaluated 2026-07-29.

Conditions:
Birt-Hogg-Dube syndrome. Also called: Birt Hogg Dubé syndrome. Identifiers: Orphanet 122, MedGen C0346010, MONDO:0800444.
Hereditary cancer-predisposing syndrome. Also called: Hereditary Cancer Syndrome; Hereditary neoplastic syndrome; Neoplastic Syndromes, Hereditary; Tumor predisposition. Identifiers: Orphanet 140162, MedGen C0027672, MeSH D009386, MONDO:0015356.

gnomAD v4.1: 2 of 1,614,174 alleles (0.00012%); highest among the groups gnomAD compares: South Asian, 0.0022%; no homozygotes.

Submissions (2):

Ambry Genetics
Classification: Uncertain significance for Hereditary cancer-predisposing syndrome. Last evaluated: 2026-07-29. Review status: criteria provided, single submitter. Criteria: Ambry Variant Classification Scheme 2023. Collection method: clinical testing. Allele origin: germline.
Comment: The p.A89T variant (also known as c.265G>A), located in coding exon 2 of the FLCN gene, results from a G to A substitution at nucleotide position 265. The alanine at codon 89 is replaced by threonine, an amino acid with similar properties. This amino acid position is conserved. In addition, the in silico prediction for this alteration is inconclusive. Based on the available evidence, the clinical significance of this variant remains unclear.

Labcorp Genetics (formerly Invitae), Labcorp
Classification: Uncertain significance for Birt-Hogg-Dube syndrome. Last evaluated: 2025-03-19. Review status: criteria provided, single submitter. Criteria: Invitae Variant Classification Sherloc (09022015). Collection method: clinical testing. Allele origin: germline.
Comment: This sequence change replaces alanine, which is neutral and non-polar, with threonine, which is neutral and polar, at codon 89 of the FLCN protein (p.Ala89Thr). This variant is not present in population databases (gnomAD no frequency). This variant has not been reported in the literature in individuals affected with FLCN-related conditions. Invitae Evidence Modeling of protein sequence and biophysical properties (such as structural, functional, and spatial information, amino acid conservation, physicochemical variation, residue mobility, and thermodynamic stability) indicates that this missense variant is not expected to disrupt FLCN protein function with a negative predictive value of 80%. In summary, the available evidence is currently insufficient to determine the role of this variant in disease. Therefore, it has been classified as a Variant of Uncertain Significance.